The following is an entry in ClinVar:

ClinVar aggregate classification (germline): Uncertain significance. Review status: criteria provided, multiple submitters, no conflicts (2 of 4 stars). 2 submissions from 2 submitters: Uncertain significance (2). Last evaluated 2024-12-17.

Allele frequency attached by ClinVar (database versions not stated): gnomAD 0.00005; ExAC 0.00011; 1000 Genomes Project 30x 0.00016; 1000 Genomes Project 0.00020.
gnomAD v4.1: 35 of 1,545,488 alleles (0.0023%); highest among the groups gnomAD compares: East Asian, 0.063%; no homozygotes.

Submissions (2):

Labcorp Genetics (formerly Invitae), Labcorp
Classification: Uncertain significance. Last evaluated: 2024-12-17. Review status: criteria provided, single submitter. Criteria: Invitae Variant Classification Sherloc (09022015). Collection method: clinical testing. Allele origin: germline.
Comment: This sequence change replaces threonine, which is neutral and polar, with asparagine, which is neutral and polar, at codon 1168 of the DCHS1 protein (p.Thr1168Asn). This variant is present in population databases (rs529000213, gnomAD 0.1%). This variant has not been reported in the literature in individuals affected with DCHS1-related conditions. ClinVar contains an entry for this variant (Variation ID: 2575694). Invitae Evidence Modeling of protein sequence and biophysical properties (such as structural, functional, and spatial information, amino acid conservation, physicochemical variation, residue mobility, and thermodynamic stability) indicates that this missense variant is not expected to disrupt DCHS1 protein function with a negative predictive value of 80%. In summary, the available evidence is currently insufficient to determine the role of this variant in disease. Therefore, it has been classified as a Variant of Uncertain Significance.

GeneDx
Classification: Uncertain significance. Last evaluated: 2023-02-14. Review status: criteria provided, single submitter. Criteria: GeneDx Variant Classification Process June 2021. Collection method: clinical testing. Allele origin: germline. Affected: yes.
Comment: In silico analysis supports that this missense variant does not alter protein structure/function; Has not been previously published as pathogenic or benign to our knowledge

NM_003737.4(DCHS1):c.3503C>A (p.Thr1168Asn)

Gene: DCHS1 (dachsous cadherin-related 1; minus strand). Cytogenetic location: 11p15.4.
Variant type: single nucleotide variant.
Coding change: c.3503C>A on transcript NM_003737.4 (MANE Select); coding-DNA position 3503, C replaced by A.
Protein change: p.Thr1168Asn; replaces threonine 1168 with asparagine.
Molecular consequence: missense variant.
Genome position (GRCh38, 1-based): chr11:6,631,788, G>T on the plus strand (C>A on the coding strand, the complement: DCHS1 is on the minus strand). VCF-style: chr11-6631788-G-T. GRCh37 (hg19) VCF-style: chr11-6653019-G-T.
Other names: short protein forms T1168N.
Identifiers: ClinVar variation 2575694 (VCV002575694.4), dbSNP rs529000213, ClinGen allele CA5860511.
Genomic context (GRCh38, chr11:6,631,788, plus strand): 5'-CTCCCTCCATCCTGCACCTGCACCAGGAGCTGATAGCTGCTCTGCTGCTCACGGTCCAGG[G>T]TTTGGAGTGTGGTCACTTCTCCTGGGAGTGCAAGAAGGCGATCATGTACGAGATGTTTAA-3'
Protein context (NP_003728.1, residues 1158-1178): PQTGEVTTLQ[Thr1168Asn]LDREQQSSYQ